The following is an entry in ClinVar:

ClinVar aggregate classification (germline): Likely pathogenic (1 of 4 stars; one submission).

Conditions:
Classic homocystinuria. Also called: HOMOCYSTINURIA WITH OR WITHOUT RESPONSE TO PYRIDOXINE; Homocystinuria due to CBS deficiency; Cystathionine beta-synthase deficiency; CBS deficiency; Homocystinuria due to Cystathionine Beta-Synthase Deficiency. Identifiers: Orphanet 394, MedGen C0751202, MONDO:0009352, OMIM 236200.

Submission:

Natera, Inc.
Classification: Likely pathogenic for Homocystinuria due to cystathionine beta-synthase deficiency. Last evaluated: 2024-12-27. Review status: criteria provided, single submitter. Criteria: Natera Variant Classification Schema (03/2026). Collection method: clinical testing. Allele origin: germline.
Comment: The c.700_702delGAC variant in CBS is an in-frame deletion predicted to remove aspartic acid at amino acid 234 while preserving the reading frame. This variant is rare in the general population with a frequency below the threshold expected for the associated phenotype(s). This variant has been observed in one or more individuals affected with the associated recessive disease, as either homozygous or compound heterozygous with a second variant (PMID: 16205833). Additionally, this variant has been observed to segregate in affected family members (PMID: 16205833). Functional studies show that this variant may disrupt protein function (PMID: 16205833). This variant results in a change to the protein length while preserving reading frame, which may disrupt normal protein structure or function. Computational prediction algorithms indicate this variant is likely to affect gene or protein function. Given the available evidence, this variant is classified as Likely Pathogenic.

Literature cited by the submitters: PubMed 16205833.

NM_000071.3(CBS):c.700_702del (p.Asp234del)

Gene: CBS (cystathionine beta-synthase; minus strand). Cytogenetic location: 21q22.3.
Variant type: Deletion.
Coding change: c.700_702del on transcript NM_000071.3 (MANE Select); coding-DNA positions 700 to 702, 3 bases deleted (GAC; older notation c.700_702delGAC).
Protein change: p.Asp234del; deletes aspartic acid 234.
Molecular consequence: inframe deletion. On other transcripts: inframe indel (1).
Genome position (GRCh38, 1-based): chr21:43,065,237-43,065,239, GTC deleted on the plus strand (GAC on the coding strand, the reverse complement: CBS is on the minus strand); deleting any 3 consecutive bases within chr21:43,065,237-43,065,241 gives the same sequence; the c. name uses the placement nearest the transcript's 3' end. VCF-style (leftmost placement, unchanged base first): chr21-43065236-TGTC-T. GRCh37 (hg19) VCF-style: chr21-44485346-TGTC-T.
Other names: c.700_702del, p.Asp234del (NM_001178008.3, NM_001178009.3, NM_001320298.2); c.385_387del, p.Asp129del (NM_001321072.1); c.700_702delGAC (NM_000071.2); short protein forms D129del, D234del.
Identifiers: ClinVar variation 4816680 (VCV004816680.1).